The following is an entry in ClinVar:

NM_004304.5(ALK):c.386G>C (p.Gly129Ala)

Gene: ALK (ALK receptor tyrosine kinase; minus strand). Cytogenetic location: 2p23.1.
Variant type: single nucleotide variant.
Coding change: c.386G>C on transcript NM_004304.5 (MANE Select); coding-DNA position 386, G replaced by C.
Protein change: p.Gly129Ala; replaces glycine 129 with alanine.
Molecular consequence: missense variant.
Genome position (GRCh38, 1-based): chr2:29,920,274, C>G on the plus strand (G>C on the coding strand, the complement: ALK is on the minus strand). VCF-style: chr2-29920274-C-G. GRCh37 (hg19) VCF-style: chr2-30143140-C-G.
Other names: short protein forms G129A.
Identifiers: ClinVar variation 660577 (VCV000660577.9), dbSNP rs760041708, ClinGen allele CA346590145.

ClinVar aggregate classification (germline): Uncertain significance. Review status: criteria provided, multiple submitters, no conflicts (2 of 4 stars). 2 submissions from 2 submitters: Uncertain significance (2). Last evaluated 2025-07-30.

Conditions:
Neuroblastoma, susceptibility to, 3. Also called: ALK-Related Neuroblastic Tumor Susceptibility. Identifiers: Orphanet 635, MedGen C2751681, MONDO:0013083, OMIM 613014.
Hereditary cancer-predisposing syndrome. Also called: Neoplastic Syndromes, Hereditary; Hereditary neoplastic syndrome; Tumor predisposition; Hereditary Cancer Syndrome. Identifiers: Orphanet 140162, MedGen C0027672, MeSH D009386, MONDO:0015356.

Allele frequency attached by ClinVar (database versions not stated): TOPMed 0.00001.

Submissions (2):

Labcorp Genetics (formerly Invitae), Labcorp
Classification: Uncertain significance for Neuroblastoma, susceptibility to, 3. Last evaluated: 2025-07-30. Review status: criteria provided, single submitter. Criteria: Invitae Variant Classification Sherloc (09022015). Collection method: clinical testing. Allele origin: germline.
Comment: This sequence change replaces glycine, which is neutral and non-polar, with alanine, which is neutral and non-polar, at codon 129 of the ALK protein (p.Gly129Ala). This variant is present in population databases (no rsID available, gnomAD 0.003%). This variant has not been reported in the literature in individuals affected with ALK-related conditions. ClinVar contains an entry for this variant (Variation ID: 660577). An algorithm developed to predict the effect of missense changes on protein structure and function (PolyPhen-2) suggests that this variant is likely to be tolerated. In summary, the available evidence is currently insufficient to determine the role of this variant in disease. Therefore, it has been classified as a Variant of Uncertain Significance.

Ambry Genetics
Classification: Uncertain significance for Hereditary cancer-predisposing syndrome. Last evaluated: 2025-05-16. Review status: criteria provided, single submitter. Criteria: Ambry Variant Classification Scheme 2023. Collection method: clinical testing. Allele origin: germline.
Comment: The p.G129A variant (also known as c.386G>C), located in coding exon 1 of the ALK gene, results from a G to C substitution at nucleotide position 386. The glycine at codon 129 is replaced by alanine, an amino acid with similar properties. This amino acid position is conserved. In addition, this alteration is predicted to be tolerated by in silico analysis. Based on the available evidence, the clinical significance of this variant remains unclear.